The following is an entry in ClinVar:

ClinVar aggregate classification (germline): Likely benign (1 of 4 stars; one submission).

Conditions:
SLCO1B3-related disorder. Also called: SLCO1B3-related condition.

gnomAD v4.1: 36 of 1,522,094 alleles (0.0024%); highest among the groups gnomAD compares: Admixed American, 0.054%; no homozygotes.

Submission:

PreventionGenetics, part of Exact Sciences
Classification: Likely benign for SLCO1B3-related condition. Last evaluated: 2024-10-09. Review status: criteria provided, single submitter. Criteria: ACMG Guidelines, 2015. Collection method: clinical testing. Allele origin: germline.
Comment: This variant is classified as likely benign based on ACMG/AMP sequence variant interpretation guidelines (Richards et al. 2015 PMID: 25741868, with internal and published modifications).

NM_019844.4(SLCO1B3):c.481+29A>T

Genes: SLCO1B3 (solute carrier organic anion transporter family member 1B3; plus strand), SLCO1B3-SLCO1B7 (SLCO1B3-SLCO1B7 readthrough; plus strand). Cytogenetic location: 12p12.2.
Variant type: single nucleotide variant.
Coding change: c.481+29A>T on transcript NM_019844.4 (MANE Select); 29 bases into the intron after coding-DNA position 481, A replaced by T.
Molecular consequence: intron variant.
Genome position (GRCh38, 1-based): chr12:20,861,167, A>T. VCF-style: chr12-20861167-A-T. GRCh37 (hg19) VCF-style: chr12-21014101-A-T.
Other names: c.397+29A>T (NM_001349920.2); c.481+29A>T (NM_001371097.1).
Identifiers: ClinVar variation 4990182 (VCV004990182.1).